The following is an entry in ClinVar:

NM_001035.3(RYR2):c.11210C>G (p.Ala3737Gly)

Gene: RYR2 (ryanodine receptor 2; plus strand). Cytogenetic location: 1q43.
Variant type: single nucleotide variant.
Coding change: c.11210C>G on transcript NM_001035.3 (MANE Select); coding-DNA position 11210, C replaced by G.
Protein change: p.Ala3737Gly; replaces alanine 3737 with glycine.
Molecular consequence: missense variant.
Genome position (GRCh38, 1-based): chr1:237,756,352, C>G. VCF-style: chr1-237756352-C-G. GRCh37 (hg19) VCF-style: chr1-237919652-C-G.
Other names: short protein forms A3737G.
Identifiers: ClinVar variation 926031 (VCV000926031.4), dbSNP rs1458694641, ClinGen allele CA345425887.

ClinVar aggregate classification (germline): Uncertain significance (1 of 4 stars; one submission).

Conditions:
Cardiomyopathy (CMYO). Also called: Cardiomyopathies. Identifiers: Orphanet 167848, MedGen C0878544, MONDO:0004994, HP:0001638. Inheritance: Various modes of inheritance.

Submission:

Color Diagnostics, LLC DBA Color Health
Classification: Uncertain significance for Cardiomyopathy. Last evaluated: 2024-03-06. Review status: criteria provided, single submitter. Criteria: ACMG Guidelines, 2015. Collection method: clinical testing. Allele origin: germline.
Comment: This missense variant replaces alanine with glycine at codon 3737 of the RYR2 protein. Computational prediction is inconclusive regarding the impact of this variant on protein structure and function (internally defined REVEL score threshold 0.5 < inconclusive < 0.7, PMID: 27666373). Splice site prediction tools suggest that this variant may create a new splice donor site. To our knowledge, functional studies have not been reported for this variant. This variant has not been reported in individuals affected with cardiovascular disorders in the literature. This variant has not been identified in the general population by the Genome Aggregation Database (gnomAD). The available evidence is insufficient to determine the role of this variant in disease conclusively. Therefore, this variant is classified as a Variant of Uncertain Significance.